The following is an entry in ClinVar:

ClinVar aggregate classification (germline): Uncertain significance (1 of 4 stars; one submission).

Conditions:
VPS13B-related disorder. Also called: VPS13B-related condition.

Submission:

PreventionGenetics, part of Exact Sciences
Classification: Uncertain significance for VPS13B-related condition. Last evaluated: 2025-06-12. Review status: criteria provided, single submitter. Criteria: ACMG Guidelines, 2015. Collection method: clinical testing. Allele origin: germline.
Comment: The VPS13B c.865A>T variant is predicted to result in the amino acid substitution p.Ile289Leu. To our knowledge, this variant has not been reported in the literature or in a large population database (gnomAD), indicating this variant is rare. At this time, the clinical significance of this variant is uncertain due to the absence of conclusive functional and genetic evidence.

NM_152564.5(VPS13B):c.865A>T (p.Ile289Leu)

Gene: VPS13B (vacuolar protein sorting 13 homolog B; plus strand). Cytogenetic location: 8q22.2.
Variant type: single nucleotide variant.
Coding change: c.865A>T on transcript NM_152564.5 (MANE Select); coding-DNA position 865, A replaced by T.
Protein change: p.Ile289Leu; replaces isoleucine 289 with leucine.
Molecular consequence: missense variant. On other transcripts: non-coding transcript variant (1).
Genome position (GRCh38, 1-based): chr8:99,115,802, A>T. VCF-style: chr8-99115802-A-T. GRCh37 (hg19) VCF-style: chr8-100128030-A-T.
Other names: c.865A>T, p.Ile289Leu (NM_015243.3, NM_017890.5, NM_181661.3); short protein forms I289L.
Identifiers: ClinVar variation 4999827 (VCV004999827.1).
Genomic context (GRCh38, chr8:99,115,802, plus strand): 5'-CAACAACTGCCTATGTTTATTCGTATAATGCAACTTGGAATTGCTCTTTACTATGGAGAA[A>T]TAGGCAATTTTAAAGAAGGCGAAATAGAGGACCTTACTTGTCATAATAAAGATATGCTAG-3'
Protein context (NP_689777.3, residues 279-299): QLGIALYYGE[Ile289Leu]GNFKEGEIED